The following is an entry in ClinVar:

ClinVar aggregate classification (germline): Uncertain significance (1 of 4 stars; one submission).

Conditions:
Inborn genetic diseases. Identifiers: MedGen C0950123, MeSH D030342.

Allele frequency attached by ClinVar (database versions not stated): gnomAD exomes below 0.00001; ExAC 0.00001.
gnomAD v4.1: 1 of 1,614,246 alleles (0.000062%); highest among the groups gnomAD compares: South Asian, 0.0011%; no homozygotes.

Submission:

Ambry Genetics
Classification: Uncertain significance for Inborn genetic diseases. Last evaluated: 2022-02-18. Review status: criteria provided, single submitter. Criteria: Ambry Variant Classification Scheme 2023. Collection method: clinical testing. Allele origin: germline.
Comment: The p.S71F variant (also known as c.212C>T), located in coding exon 2 of the EPAS1 gene, results from a C to T substitution at nucleotide position 212. The serine at codon 71 is replaced by phenylalanine, an amino acid with highly dissimilar properties. This amino acid position is conserved. In addition, this alteration is predicted to be tolerated by in silico analysis. Since supporting evidence is limited at this time, the clinical significance of this alteration remains unclear.

NM_001430.5(EPAS1):c.212C>T (p.Ser71Phe)

Gene: EPAS1 (endothelial PAS domain protein 1; plus strand). Cytogenetic location: 2p21.
Variant type: single nucleotide variant.
Coding change: c.212C>T on transcript NM_001430.5 (MANE Select); coding-DNA position 212, C replaced by T.
Protein change: p.Ser71Phe; replaces serine 71 with phenylalanine.
Molecular consequence: missense variant.
Genome position (GRCh38, 1-based): chr2:46,347,058, C>T. VCF-style: chr2-46347058-C-T. GRCh37 (hg19) VCF-style: chr2-46574197-C-T.
Other names: short protein forms S71F.
Identifiers: ClinVar variation 1786374 (VCV001786374.2), dbSNP rs768904114, ClinGen allele CA1644489.